The following is an entry in ClinVar:

ClinVar aggregate classification (germline): Uncertain significance (1 of 4 stars; one submission).

Submission:

GeneDx
Classification: Uncertain significance. Last evaluated: 2020-06-16. Review status: criteria provided, single submitter. Criteria: GeneDx Variant Classification Process June 2021. Collection method: clinical testing. Allele origin: germline. Affected: yes.
Comment: Not observed in large population cohorts (Lek et al., 2016); In silico analysis supports that this missense variant does not alter protein structure/function; Has not been previously published as pathogenic or benign to our knowledge

NM_001020658.2(PUM1):c.133C>A (p.Gln45Lys)

Gene: PUM1 (pumilio RNA binding family member 1; minus strand). Cytogenetic location: 1p35.2.
Variant type: single nucleotide variant.
Coding change: c.133C>A on transcript NM_001020658.2 (MANE Select); coding-DNA position 133, C replaced by A.
Protein change: p.Gln45Lys; replaces glutamine 45 with lysine.
Molecular consequence: missense variant.
Genome position (GRCh38, 1-based): chr1:31,059,434, G>T on the plus strand (C>A on the coding strand, the complement: PUM1 is on the minus strand). VCF-style: chr1-31059434-G-T. GRCh37 (hg19) VCF-style: chr1-31532281-G-T.
Other names: c.133C>A, p.Gln45Lys (NM_014676.3); short protein forms Q45K.
Identifiers: ClinVar variation 1312676 (VCV001312676.2), dbSNP rs2124008685, ClinGen allele CA339572762.
Genomic context (GRCh38, chr1:31,059,434, plus strand): 5'-CAGGGCTGGAGTGAGTCCCAGCTGCAAGAGCCTGATTTGCAGCTGGTTGTGGCTGCGCTT[G>T]CGACCCTGTTCCAGATGTCAAAACAACAGGCATGTTGGGATTAGCTGGTTCTTGAGGGTG-3'
Protein context (NP_001018494.1, residues 35-55): PVVLTSGTGS[Gln45Lys]AQPQPAANQA